The following is an entry in ClinVar:

NM_001365088.1(SLC12A6):c.2613C>T (p.Arg871=)

Genes: SLC12A6 (solute carrier family 12 member 6; minus strand), LOC126862097 (P300/CBP strongly-dependent group 1 enhancer GRCh37_chr15:34531007-34532206; plus strand). Cytogenetic location: 15q14.
Variant type: single nucleotide variant.
Coding change: c.2613C>T on transcript NM_001365088.1 (MANE Select); coding-DNA position 2613, C replaced by T.
Protein change: p.Arg871=; no amino-acid change (arginine 871 retained).
Molecular consequence: synonymous variant.
Genome position (GRCh38, 1-based): chr15:34,238,984, G>A on the plus strand (C>T on the coding strand, the complement: SLC12A6 is on the minus strand). VCF-style: chr15-34238984-G-A. GRCh37 (hg19) VCF-style: chr15-34531185-G-A.
Other names: c.2436C>T, p.Arg812= (NM_001042494.2, NM_001042495.2); c.2586C>T, p.Arg862= (NM_001042496.2); c.2568C>T, p.Arg856= (NM_001042497.2); c.2460C>T, p.Arg820= (NM_005135.2); c.2613C>T, p.Arg871= (NM_133647.2).
Identifiers: ClinVar variation 728173 (VCV000728173.25), dbSNP rs144297460, ClinGen allele CA7464051.
Genomic context (GRCh38, chr15:34,238,984, plus strand): 5'-TCGACTTGGGCCTTTAGGTTTGTATGAGAAATGGTTAGTACCAATAAAAGTCTTCCAAGC[G>A]CGGGCATCTTCGCTTTGACGCCAGCCATTAGGCCAGCCCATCACCACCGTGTTGTGCTTC-3'
Protein context (NP_001352017.1, residues 861-881): PNGWRQSEDA[Arg871=]AWKTFIGTVR

ClinVar aggregate classification (germline): Likely benign. Review status: criteria provided, multiple submitters, no conflicts (2 of 4 stars). 5 submissions from 5 submitters: Likely benign (3). 2 of the submissions do not count toward it. Last evaluated 2026-01-26.

Conditions:
Agenesis of the corpus callosum with peripheral neuropathy (ACCPN). Also called: HMSN/ACC; POLYNEUROPATHY, SENSORIMOTOR, WITH OR WITHOUT AGENESIS OF THE CORPUS CALLOSUM; CHARLEVOIX DISEASE; Hereditary Motor and Sensory Neuropathy with Agenesis of the Corpus Callosum. Identifiers: Orphanet 1496, MedGen C0795950, MONDO:0000902, OMIM 218000. Disease mechanism: loss of function.
SLC12A6-related disorder. Also called: SLC12A6-related condition.
Inborn genetic diseases. Identifiers: MedGen C0950123, MeSH D030342.

Allele frequency attached by ClinVar (database versions not stated): gnomAD exomes 0.00006 and 0.00013; gnomAD 0.00048 and 0.00044; TOPMed 0.00051; ESP Exome Variant Server 0.00069; ExAC 0.00018.
gnomAD v4.1: 164 of 1,614,000 alleles (0.01%); highest among the groups gnomAD compares: African/African-American, 0.18%; 1 homozygote.

Submissions (5):

Labcorp Genetics (formerly Invitae), Labcorp
Classification: Likely benign. Last evaluated: 2026-01-26. Review status: criteria provided, single submitter. Criteria: Invitae Variant Classification Sherloc (09022015). Collection method: clinical testing. Allele origin: germline.

Ambry Genetics
Classification: Likely benign for Inborn genetic diseases. Last evaluated: 2024-05-19. Review status: criteria provided, single submitter. Criteria: Ambry Variant Classification Scheme 2023. Collection method: clinical testing. Allele origin: germline.

ARUP Laboratories, Molecular Genetics and Genomics, ARUP Laboratories
Classification: Likely benign for Agenesis of the corpus callosum with peripheral neuropathy. Last evaluated: 2018-07-31. Review status: criteria provided, single submitter. Criteria: ARUP Molecular Germline Variant Investigation Process. Collection method: clinical testing. Allele origin: germline.

Natera, Inc.
Classification: Likely benign for Andermann syndrome. Last evaluated: 2020-01-24. Review status: no assertion criteria provided. Collection method: clinical testing. Allele origin: germline. Not counted in ClinVar's aggregate classification.

PreventionGenetics, part of Exact Sciences
Classification: Likely benign for SLC12A6-related condition. Last evaluated: 2019-11-25. Review status: no assertion criteria provided. Collection method: clinical testing. Allele origin: germline. Not counted in ClinVar's aggregate classification.
Comment: This variant is classified as likely benign based on ACMG/AMP sequence variant interpretation guidelines (Richards et al. 2015 PMID: 25741868, with internal and published modifications).